The following is an entry in ClinVar:

NM_182895.5(SCARF2):c.2271C>T (p.Gly757=)

Gene: SCARF2 (scavenger receptor class F member 2; minus strand). Cytogenetic location: 22q11.21.
Variant type: single nucleotide variant.
Coding change: c.2271C>T on transcript NM_182895.5 (MANE Select); coding-DNA position 2271, C replaced by T.
Protein change: p.Gly757=; no amino-acid change (glycine 757 retained).
Molecular consequence: synonymous variant.
Genome position (GRCh38, 1-based): chr22:20,425,705, G>A on the plus strand (C>T on the coding strand, the complement: SCARF2 is on the minus strand). VCF-style: chr22-20425705-G-A. GRCh37 (hg19) VCF-style: chr22-20779994-G-A.
Other names: c.2286C>T, p.Gly762= (NM_153334.7).
Identifiers: ClinVar variation 4781839 (VCV004781839.1).
Genomic context (GRCh38, chr22:20,425,705, plus strand): 5'-CTTGCCGCGCAGCTCAGCGGCCAACATGGAGGCAGCCTCGGGCGCGCTTCGCGGGGGACC[G>A]CCGGCGTCCGTGGGCTCCAAGAGGCCGGGGCCGCGGCCCCGCGCTCGGGCCCTGGGCGGC-3'
Protein context (NP_878315.2, residues 747-767): GPGLLEPTDA[Gly757=]GPPRSAPEAA

ClinVar aggregate classification (germline): Uncertain significance (1 of 4 stars; one submission).

gnomAD v4.1: 2 of 1,228,556 alleles (0.00016%); highest among the groups gnomAD compares: East Asian, 0.0033%; no homozygotes.

Submission:

Labcorp Genetics (formerly Invitae), Labcorp
Classification: Uncertain significance. Last evaluated: 2025-06-30. Review status: criteria provided, single submitter. Criteria: Invitae Variant Classification Sherloc (09022015). Collection method: clinical testing. Allele origin: germline.
Comment: This sequence change replaces arginine, which is basic and polar, with tryptophan, which is neutral and slightly polar, at codon 762 of the SCARF2 protein (p.Arg762Trp). The frequency data for this variant in the population databases is considered unreliable, as metrics indicate insufficient coverage at this position in the gnomAD database. This variant has not been reported in the literature in individuals affected with SCARF2-related conditions. An algorithm developed to predict the effect of missense changes on protein structure and function outputs the following: PolyPhen-2: "Benign". The tryptophan amino acid residue is found in multiple mammalian species, which suggests that this missense change does not adversely affect protein function. In summary, the available evidence is currently insufficient to determine the role of this variant in disease. Therefore, it has been classified as a Variant of Uncertain Significance.